The following is an entry in ClinVar:

ClinVar aggregate classification (germline): Pathogenic/Likely pathogenic. Review status: criteria provided, multiple submitters, no conflicts (2 of 4 stars). 2 submissions from 2 submitters: Pathogenic (1); Likely pathogenic (1). Last evaluated 2024-11-26.

Conditions:
Fructose-biphosphatase deficiency (FBP1D). Also called: Fructose-1,6-Diphosphatase Deficiency; Fructose 1,6 Bisphosphatase Deficiency; Fructose-1,6-Bisphosphatase 1 Deficiency. Identifiers: Orphanet 348, MedGen C0016756, MONDO:0009251, OMIM 229700.
Deficiency of fructose-bisphosphatase. Identifiers: MedGen C0019489.

Submissions (2):

3billion
Classification: Pathogenic for Fructose-biphosphatase deficiency. Last evaluated: 2024-11-26. Review status: criteria provided, single submitter. Criteria: ACMG Guidelines, 2015. Collection method: clinical testing. Allele origin: germline. Affected: yes.
Comment: The variant is not observed in the gnomAD v4.1.0 dataset. Predicted Consequence/Location: Frameshift: predicted to result in a loss or disruption of normal protein function through nonsense-mediated decay (NMD) or protein truncation. Multiple pathogenic variants are reported downstream of the variant. The variant has been reported to be associated with FBP1 related disorder (PMID: 21483992). Therefore, this variant is classified as Pathogenic according to the recommendation of ACMG/AMP guideline.

Dubai Health Genomic Medicine Center, Dubai Health
Classification: Likely pathogenic for Deficiency of fructose-bisphosphatase. Last evaluated: 2024-10-04. Review status: criteria provided, single submitter. Criteria: ACMG Guidelines, 2015. Collection method: research. Allele origin: germline. Affected: yes.
Comment: PVS1,PM2

Literature cited by the submitters: PubMed 21483992 (cited by 3billion).

NM_000507.4(FBP1):c.616_619del (p.Lys206fs)

Gene: FBP1 (fructose-bisphosphatase 1; minus strand). Cytogenetic location: 9q22.32.
Variant type: Microsatellite.
Coding change: c.616_619del on transcript NM_000507.4 (MANE Select); coding-DNA positions 616 to 619, 4 bases deleted (AAAG; older notation c.616_619delAAAG).
Protein change: p.Lys206fs; shifts the reading frame from lysine 206.
Molecular consequence: frameshift variant.
Genome position (GRCh38, 1-based): chr9:94,606,901-94,606,904, CTTT deleted on the plus strand (AAAG on the coding strand, the reverse complement: FBP1 is on the minus strand); deleting any 4 consecutive bases within chr9:94,606,901-94,606,908 gives the same sequence; the c. name uses the placement nearest the transcript's 3' end. VCF-style (leftmost placement, unchanged base first): chr9-94606900-CCTTT-C. GRCh37 (hg19) VCF-style: chr9-97369182-CCTTT-C.
Other names: c.616_619del, p.Lys206fs (NM_001127628.2); short protein forms K206fs.
Identifiers: ClinVar variation 3384130 (VCV003384130.2).